The following is an entry in ClinVar:

NM_005228.5(EGFR):c.131T>C (p.Phe44Ser)

Gene: EGFR (epidermal growth factor receptor; plus strand). Cytogenetic location: 7p11.2.
Variant type: single nucleotide variant.
Coding change: c.131T>C on transcript NM_005228.5 (MANE Select); coding-DNA position 131, T replaced by C.
Protein change: p.Phe44Ser; replaces phenylalanine 44 with serine.
Molecular consequence: missense variant. On other transcripts: 5 prime UTR variant (1), intron variant (1).
Genome position (GRCh38, 1-based): chr7:55,142,328, T>C. VCF-style: chr7-55142328-T-C. GRCh37 (hg19) VCF-style: chr7-55210021-T-C.
Other names: c.131T>C, p.Phe44Ser (NM_001346897.2, NM_001346898.2, NM_001346899.2 and 3 more transcripts); c.-29T>C (NM_001346900.2); c.89-13502T>C (NM_001346941.2); short protein forms F44S.
Identifiers: ClinVar variation 2173246 (VCV002173246.5), dbSNP rs1001476056, ClinGen allele CA158897379.

ClinVar aggregate classification (germline): Uncertain significance. Review status: criteria provided, multiple submitters, no conflicts (2 of 4 stars). 2 submissions from 2 submitters: Uncertain significance (2). Last evaluated 2025-11-24.

Conditions:
Hereditary cancer-predisposing syndrome. Also called: Tumor predisposition; Hereditary neoplastic syndrome; Neoplastic Syndromes, Hereditary; Hereditary Cancer Syndrome. Identifiers: Orphanet 140162, MedGen C0027672, MeSH D009386, MONDO:0015356.
EGFR-related lung cancer (EGFR). Identifiers: MedGen CN130014.

Allele frequency attached by ClinVar (database versions not stated): TOPMed below 0.00001; gnomAD 0.00001; gnomAD exomes 0.00001.
gnomAD v4.1: 4 of 1,614,132 alleles (0.00025%); highest among the groups gnomAD compares: Non-Finnish European, 0.00034%; no homozygotes.

Submissions (2):

Labcorp Genetics (formerly Invitae), Labcorp
Classification: Uncertain significance for EGFR-related lung cancer. Last evaluated: 2025-11-24. Review status: criteria provided, single submitter. Criteria: Invitae Variant Classification Sherloc (09022015). Collection method: clinical testing. Allele origin: germline.
Comment: This sequence change replaces phenylalanine, which is neutral and non-polar, with serine, which is neutral and polar, at codon 44 of the EGFR protein (p.Phe44Ser). This variant is present in population databases (no rsID available, gnomAD 0.002%). This variant has not been reported in the literature in individuals affected with EGFR-related conditions. ClinVar contains an entry for this variant (Variation ID: 2173246). Invitae Evidence Modeling of protein sequence and biophysical properties (such as structural, functional, and spatial information, amino acid conservation, physicochemical variation, residue mobility, and thermodynamic stability) indicates that this missense variant is not expected to disrupt EGFR protein function with a negative predictive value of 80%. In summary, the available evidence is currently insufficient to determine the role of this variant in disease. Therefore, it has been classified as a Variant of Uncertain Significance.

Ambry Genetics
Classification: Uncertain significance for Hereditary cancer-predisposing syndrome. Last evaluated: 2025-01-10. Review status: criteria provided, single submitter. Criteria: Ambry Variant Classification Scheme 2023. Collection method: clinical testing. Allele origin: germline.
Comment: The p.F44S variant (also known as c.131T>C), located in coding exon 2 of the EGFR gene, results from a T to C substitution at nucleotide position 131. The phenylalanine at codon 44 is replaced by serine, an amino acid with highly dissimilar properties. This amino acid position is conserved. In addition, the in silico prediction for this alteration is inconclusive. Based on the available evidence, the clinical significance of this variant remains unclear.